The following is an entry in ClinVar:

NM_022489.4(INF2):c.1139A>G (p.Lys380Arg)

Gene: INF2 (inverted formin 2; plus strand). Cytogenetic location: 14q32.33.
Variant type: single nucleotide variant.
Coding change: c.1139A>G on transcript NM_022489.4 (MANE Select); coding-DNA position 1139, A replaced by G.
Protein change: p.Lys380Arg; replaces lysine 380 with arginine.
Molecular consequence: missense variant.
Genome position (GRCh38, 1-based): chr14:104,707,406, A>G. VCF-style: chr14-104707406-A-G. GRCh37 (hg19) VCF-style: chr14-105173743-A-G.
Other names: c.1139A>G, p.Lys380Arg (NM_001031714.4); short protein forms K380R.
Identifiers: ClinVar variation 864010 (VCV000864010.15), dbSNP rs762096939, ClinGen allele CA7372515.

ClinVar aggregate classification (germline): Conflicting classifications of pathogenicity. Review status: criteria provided, conflicting classifications (1 of 4 stars). 4 submissions from 4 submitters: Uncertain significance (1); Benign (1); Likely benign (2). Last evaluated 2025-07-17.

Conditions:
Focal segmental glomerulosclerosis 5 (FSGS5). Identifiers: Orphanet 656, MedGen C2750475, MONDO:0013191, OMIM 613237.
Charcot-Marie-Tooth disease dominant intermediate E. Also called: CHARCOT-MARIE-TOOTH NEUROPATHY WITH FOCAL SEGMENTAL GLOMERULONEPHRITIS. Identifiers: Orphanet 93114, MedGen C4302667, MONDO:0013758, OMIM 614455.
Inborn genetic diseases. Identifiers: MedGen C0950123, MeSH D030342.

Allele frequency attached by ClinVar (database versions not stated): gnomAD 0.00002 and 0.00003; gnomAD exomes 0.00002 and 0.00010; TOPMed 0.00007; ExAC 0.00008.
gnomAD v4.1: 35 of 1,585,120 alleles (0.0022%); highest among the groups gnomAD compares: Admixed American, 0.051%; no homozygotes.

Submissions (4):

Labcorp Genetics (formerly Invitae), Labcorp
Classification: Likely benign for Charcot-Marie-Tooth disease dominant intermediate E; Focal segmental glomerulosclerosis 5. Last evaluated: 2025-07-17. Review status: criteria provided, single submitter. Criteria: Invitae Variant Classification Sherloc (09022015). Collection method: clinical testing. Allele origin: germline.

Revvity Omics, Revvity
Classification: Uncertain significance. Last evaluated: 2020-10-22. Review status: criteria provided, single submitter. Criteria: ACMG Guidelines, 2015. Collection method: clinical testing. Allele origin: germline.

Ambry Genetics
Classification: Likely benign for Inborn genetic diseases. Last evaluated: 2020-01-29. Review status: criteria provided, single submitter. Criteria: Ambry Variant Classification Scheme 2023. Collection method: clinical testing. Allele origin: germline.

Illumina Laboratory Services, Illumina
Classification: Benign for Focal segmental glomerulosclerosis 5. Last evaluated: 2018-01-13. Review status: criteria provided, single submitter. Criteria: ICSL Variant Classification Criteria 13 December 2019. Collection method: clinical testing. Allele origin: germline.
Comment: This variant was observed in the ICSL laboratory as part of a predisposition screen in an ostensibly healthy population. It had not been previously curated by ICSL or reported in the Human Gene Mutation Database (HGMD: prior to June 1st, 2018), and was therefore a candidate for classification through an automated scoring system. Utilizing variant allele frequency, disease prevalence and penetrance estimates, and inheritance mode, an automated score was calculated to assess if this variant is too frequent to cause the disease. Based on the score and internal cut-off values, a variant classified as benign is not then subjected to further curation. The score for this variant resulted in a classification of benign for this disease.